The following is an entry in ClinVar:

NC_000008.10:g.(?_42977230)_(43054712_?)dup

Genes: HGSNAT (heparan-alpha-glucosaminide N-acetyltransferase; plus strand), POMK (protein O-mannose kinase; plus strand). Cytogenetic location: 8p11.21.
Variant type: Duplication.
Identifiers: ClinVar variation 2427026 (VCV002427026.4).

ClinVar aggregate classification (germline): Uncertain significance (1 of 4 stars; one submission).

Conditions:
Muscular dystrophy-dystroglycanopathy (congenital with brain and eye anomalies), type a, 12 (MDDGA12). Also called: WALKER-WARBURG SYNDROME OR MUSCLE-EYE-BRAIN DISEASE, POMK-RELATED. Identifiers: Orphanet 899, MedGen C3808964, MONDO:0014101, OMIM 615249.
Limb-girdle muscular dystrophy due to POMK deficiency. Also called: MUSCULAR DYSTROPHY-DYSTROGLYCANOPATHY, LIMB-GIRDLE, POMK-RELATED; Muscular dystrophy-dystroglycanopathy (limb-girdle), type c, 12. Identifiers: Orphanet 445110, MedGen C4015184, MONDO:0014489, OMIM 616094.

Submission:

Labcorp Genetics (formerly Invitae), Labcorp
Classification: Uncertain significance for Muscular dystrophy-dystroglycanopathy (congenital with brain and eye anomalies), type a, 12; Limb-girdle muscular dystrophy due to POMK deficiency. Last evaluated: 2023-09-27. Review status: criteria provided, single submitter. Criteria: Invitae Variant Classification Sherloc (09022015). Collection method: clinical testing. Allele origin: germline.
Comment: This variant results in a copy number gain of the genomic region encompassing exon(s) 5 of the POMK gene. This region includes the termination codon of the gene. This copy number gain extends beyond the assayed region for this gene and therefore may encompass additional genes. As the precise location of this event is unknown, it may be in tandem or it may be located elsewhere in the genome. This variant has not been reported in the literature in individuals affected with POMK-related conditions. In summary, the available evidence is currently insufficient to determine the role of this variant in disease. Therefore, it has been classified as a Variant of Uncertain Significance.